The following is an entry in ClinVar:

ClinVar aggregate classification (germline): Conflicting classifications of pathogenicity. Review status: criteria provided, conflicting classifications (1 of 4 stars). 3 submissions from 3 submitters: Uncertain significance (2); Likely benign (1). Last evaluated 2025-05-08.

Conditions:
Malignant hyperthermia, susceptibility to, 5 (MHS5). Also called: CACNA1S-Related Malignant Hyperthermia Susceptibility. Identifiers: Orphanet 423, MedGen C1866077, MONDO:0011163, OMIM 601887.
Hypokalemic periodic paralysis, type 1. Also called: Hypokalemic Periodic Paralysis Type 1 (AD); HypoPP. Identifiers: Orphanet 681, MedGen C3714580, MONDO:0042979, OMIM 170400.
Congenital myopathy 18. Also called: Myopathy, congenital, due to dihydropyridine receptor defect; DIHYDROPYRIDINE RECEPTOR CONGENITAL MYOPATHY; DHPR CONGENITAL MYOPATHY. Identifiers: MedGen C5830283, MONDO:0859514, OMIM 620246.
Thyrotoxic periodic paralysis, susceptibility to, 1 (TTPP1). Identifiers: Orphanet 79102, MedGen C2749982, MONDO:0008570, OMIM 188580.

Allele frequency attached by ClinVar (database versions not stated): gnomAD 0.00001; gnomAD exomes 0.00002; TOPMed 0.00002; ExAC 0.00003.
gnomAD v4.1: 27 of 1,613,862 alleles (0.0017%); highest among the groups gnomAD compares: South Asian, 0.0033%; no homozygotes.

Submissions (3):

Labcorp Genetics (formerly Invitae), Labcorp
Classification: Likely benign for Hypokalemic periodic paralysis, type 1; Malignant hyperthermia, susceptibility to, 5. Last evaluated: 2025-05-08. Review status: criteria provided, single submitter. Criteria: Invitae Variant Classification Sherloc (09022015). Collection method: clinical testing. Allele origin: germline.

Fulgent Genetics
Classification: Uncertain significance for Hypokalemic periodic paralysis, type 1; Thyrotoxic periodic paralysis, susceptibility to, 1; Malignant hyperthermia, susceptibility to, 5; Congenital myopathy 18. Last evaluated: 2024-05-21. Review status: criteria provided, single submitter. Criteria: ACMG Guidelines, 2015. Collection method: clinical testing. Allele origin: germline.

All of Us Research Program, National Institutes of Health
Classification: Uncertain significance for Malignant hyperthermia, susceptibility to, 5. Last evaluated: 2023-11-02. Review status: criteria provided, single submitter. Criteria: ACMG Guidelines, 2015. Collection method: clinical testing. Allele origin: germline. Inheritance: Autosomal dominant inheritance. Observed: 3 variant alleles, 3 heterozygotes.
Comment: This missense variant replaces glycine with arginine at codon 1220 of the CACNA1S protein. Computational prediction suggests that this variant may not impact protein structure and function (internally defined REVEL score threshold <= 0.5, PMID: 27666373). To our knowledge, functional studies have not been reported for this variant. This variant has not been reported in individuals affected with CACNA1S-related disorders in the literature. This variant has been identified in 6/250664 chromosomes in the general population by the Genome Aggregation Database (gnomAD). The available evidence is insufficient to determine the role of this variant in disease conclusively. Therefore, this variant is classified as a Variant of Uncertain Significance.

This study involves interpretation of variants in research participants for the purpose of population health screening. Participant phenotype was not available at the time of variant classification. Additional details can be found in publication PMID: 35346344, PMCID: PMC8962531

NM_000069.3(CACNA1S):c.3658G>A (p.Gly1220Arg)

Gene: CACNA1S (calcium voltage-gated channel subunit alpha1 S; minus strand). Cytogenetic location: 1q32.1.
Variant type: single nucleotide variant.
Coding change: c.3658G>A on transcript NM_000069.3 (MANE Select); coding-DNA position 3658, G replaced by A.
Protein change: p.Gly1220Arg; replaces glycine 1220 with arginine.
Molecular consequence: missense variant.
Genome position (GRCh38, 1-based): chr1:201,054,513, C>T on the plus strand (G>A on the coding strand, the complement: CACNA1S is on the minus strand). VCF-style: chr1-201054513-C-T. GRCh37 (hg19) VCF-style: chr1-201023641-C-T.
Other names: short protein forms G1220R.
Identifiers: ClinVar variation 1432663 (VCV001432663.10), dbSNP rs776908038, ClinGen allele CA082687.